The following is an entry in ClinVar:

ClinVar aggregate classification (germline): Likely benign (0 of 4 stars; one submission).

Conditions:
PLEC-related disorder. Also called: PLEC-related disorders; PLEC-related condition.

Submission:

PreventionGenetics, part of Exact Sciences
Classification: Likely benign for PLEC-related condition. Last evaluated: 2021-01-05. Review status: no assertion criteria provided. Collection method: clinical testing. Allele origin: germline.
Comment: This variant is classified as likely benign based on ACMG/AMP sequence variant interpretation guidelines (Richards et al. 2015 PMID: 25741868, with internal and published modifications).

NM_201378.4(PLEC):c.71-11815G>A

Gene: PLEC (plectin; minus strand). Cytogenetic location: 8q24.3.
Variant type: single nucleotide variant.
Coding change: c.71-11815G>A on transcript NM_201378.4 (MANE Plus Clinical); 11815 bases into the intron before coding-DNA position 71, G replaced by A.
Molecular consequence: intron variant. On other transcripts: nonsense (1).
Genome position (GRCh38, 1-based): chr8:143,950,507, C>T on the plus strand (G>A on the coding strand, the complement: PLEC is on the minus strand). VCF-style: chr8-143950507-C-T. GRCh37 (hg19) VCF-style: chr8-145024675-C-T.
Other names: c.200G>A, p.Trp67Ter (NM_201380.4); c.194-11815G>A (NM_001410941.1, NM_000445.5); c.46+3219G>A (NM_201379.3); short protein forms W67*.
Identifiers: ClinVar variation 3029881 (VCV003029881.2), dbSNP rs2539866237, ClinGen allele CA372598743.
Genomic context (GRCh38, chr8:143,950,507, plus strand): 5'-TGCAGGTACTGGCGGAGGTGGGCGATGCCTTCATTGGTGAGGTACCAGTAAAAGTGGCAC[C>T]AGGCAAAGGTCTCGCGGACCAGGCCCCGTGCCCGCAGGGACGCCATGGCACGCATGACCT-3'